The following is an entry in ClinVar:

NM_000384.3(APOB):c.9877C>T (p.Pro3293Ser)

Gene: APOB (apolipoprotein B; minus strand). Cytogenetic location: 2p24.1.
Variant type: single nucleotide variant.
Coding change: c.9877C>T on transcript NM_000384.3 (MANE Select); coding-DNA position 9877, C replaced by T.
Protein change: p.Pro3293Ser; replaces proline 3293 with serine.
Molecular consequence: missense variant.
Genome position (GRCh38, 1-based): chr2:21,006,991, G>A on the plus strand (C>T on the coding strand, the complement: APOB is on the minus strand). VCF-style: chr2-21006991-G-A. GRCh37 (hg19) VCF-style: chr2-21229863-G-A.
Other names: short protein forms P3293S.
Identifiers: ClinVar variation 3885265 (VCV003885265.1).

ClinVar aggregate classification (germline): Uncertain significance (1 of 4 stars; one submission).

Conditions:
Cardiovascular phenotype. Identifiers: MedGen CN230736.

gnomAD v4.1: 2 of 1,614,038 alleles (0.00012%); highest among the groups gnomAD compares: Non-Finnish European, 0.00017%; no homozygotes.

Submission:

Ambry Genetics
Classification: Uncertain significance for Cardiovascular phenotype. Last evaluated: 2025-02-10. Review status: criteria provided, single submitter. Criteria: Ambry Variant Classification Scheme 2023. Collection method: clinical testing. Allele origin: germline.
Comment: The p.P3293S variant (also known as c.9877C>T), located in coding exon 26 of the APOB gene, results from a C to T substitution at nucleotide position 9877. The proline at codon 3293 is replaced by serine, an amino acid with similar properties. This amino acid position is conserved. In addition, this alteration is predicted to be tolerated by in silico analysis. Based on the available evidence, the clinical significance of this variant remains unclear.